The following is an entry in ClinVar:

NM_000701.8(ATP1A1):c.1718C>T (p.Thr573Ile)

Genes: ATP1A1 (ATPase Na+/K+ transporting subunit alpha 1; plus strand), ATP1A1-AS1 (ATP1A1 antisense RNA 1; minus strand). Cytogenetic location: 1p13.1.
Variant type: single nucleotide variant.
Coding change: c.1718C>T on transcript NM_000701.8 (MANE Select); coding-DNA position 1718, C replaced by T.
Protein change: p.Thr573Ile; replaces threonine 573 with isoleucine.
Molecular consequence: missense variant.
Genome position (GRCh38, 1-based): chr1:116,395,167, C>T. VCF-style: chr1-116395167-C-T. GRCh37 (hg19) VCF-style: chr1-116937789-C-T.
Other names: c.1718C>T (NM_001160233.1); c.1718C>T, p.Thr573Ile (NM_001160233.2); c.1625C>T, p.Thr542Ile (NM_001160234.2); short protein forms T573I, T542I.
Identifiers: ClinVar variation 1484526 (VCV001484526.7), dbSNP rs1652804659, ClinGen allele CA341771461.

ClinVar aggregate classification (germline): Uncertain significance. Review status: criteria provided, multiple submitters, no conflicts (2 of 4 stars). 2 submissions from 2 submitters: Uncertain significance (2). Last evaluated 2025-11-20.

Conditions:
Inborn genetic diseases. Identifiers: MedGen C0950123, MeSH D030342.

gnomAD v4.1: 2 of 1,614,146 alleles (0.00012%); highest among the groups gnomAD compares: Non-Finnish European, 0.00017%; no homozygotes.

Submissions (2):

Ambry Genetics
Classification: Uncertain significance for Inborn genetic diseases. Last evaluated: 2025-11-20. Review status: criteria provided, single submitter. Criteria: Ambry Variant Classification Scheme 2023. Collection method: clinical testing. Allele origin: germline.

Labcorp Genetics (formerly Invitae), Labcorp
Classification: Uncertain significance. Last evaluated: 2021-10-19. Review status: criteria provided, single submitter. Criteria: Invitae Variant Classification Sherloc (09022015). Collection method: clinical testing. Allele origin: germline.
Comment: In summary, the available evidence is currently insufficient to determine the role of this variant in disease. Therefore, it has been classified as a Variant of Uncertain Significance. Advanced modeling of protein sequence and biophysical properties (such as structural, functional, and spatial information, amino acid conservation, physicochemical variation, residue mobility, and thermodynamic stability) performed at Invitae indicates that this missense variant is not expected to disrupt ATP1A1 protein function. This sequence change replaces threonine with isoleucine at codon 573 of the ATP1A1 protein (p.Thr573Ile). The threonine residue is moderately conserved and there is a moderate physicochemical difference between threonine and isoleucine. This variant is not present in population databases (ExAC no frequency). This variant has not been reported in the literature in individuals affected with ATP1A1-related conditions.